The following is an entry in ClinVar:

NM_025191.4(EDEM3):c.1289T>C (p.Ile430Thr)

Gene: EDEM3 (ER degradation enhancing alpha-mannosidase like protein 3; minus strand). Cytogenetic location: 1q25.3.
Variant type: single nucleotide variant.
Coding change: c.1289T>C on transcript NM_025191.4 (MANE Select); coding-DNA position 1289, T replaced by C.
Protein change: p.Ile430Thr; replaces isoleucine 430 with threonine.
Molecular consequence: missense variant. On other transcripts: non-coding transcript variant (1).
Genome position (GRCh38, 1-based): chr1:184,716,969, A>G on the plus strand (T>C on the coding strand, the complement: EDEM3 is on the minus strand). VCF-style: chr1-184716969-A-G. GRCh37 (hg19) VCF-style: chr1-184686103-A-G.
Other names: c.1289T>C, p.Ile430Thr (NM_001319960.2); short protein forms I430T.
Identifiers: ClinVar variation 4246592 (VCV004246592.2).
Genomic context (GRCh38, chr1:184,716,969, plus strand): 5'-CGAACATCCTTCATGGCAGCAAATCCGCAAGGCACTCTAGCATATTTATTTAAATTTTCA[A>G]TAAGTGTCTTCCCTACTTCAAGGTAGTAAGGATCTCCTGTAGCCTATTAAAAAGGAGAAT-3'
Protein context (NP_079467.3, residues 420-440): PYYLEVGKTL[Ile430Thr]ENLNKYARVP

ClinVar aggregate classification (germline): Uncertain significance. Review status: criteria provided, multiple submitters, no conflicts (2 of 4 stars). 2 submissions from 2 submitters: Uncertain significance (2). Last evaluated 2026-04-11.

Conditions:
Inborn genetic diseases. Identifiers: MedGen C0950123, MeSH D030342.

gnomAD v4.1: 25 of 1,612,876 alleles (0.0016%); highest among the groups gnomAD compares: Admixed American, 0.013%; no homozygotes.

Submissions (2):

GeneDx
Classification: Uncertain significance. Last evaluated: 2026-04-11. Review status: criteria provided, single submitter. Criteria: GeneDx Variant Classification Process June 2021. Collection method: clinical testing. Allele origin: germline.
Comment: In silico analysis supports that this missense variant has a deleterious effect on protein structure/function; Has not been previously published as pathogenic or benign to our knowledge

Ambry Genetics
Classification: Uncertain significance for Inborn genetic diseases. Last evaluated: 2025-08-07. Review status: criteria provided, single submitter. Criteria: Ambry Variant Classification Scheme 2023. Collection method: clinical testing. Allele origin: germline.